The following is an entry in ClinVar:

ClinVar aggregate classification (germline): Uncertain significance (1 of 4 stars; one submission).

Conditions:
Epileptic encephalopathy. Identifiers: MedGen C0543888, HP:0200134.

Allele frequency attached by ClinVar (database versions not stated): TOPMed below 0.00001.
gnomAD v4.1: 3 of 1,613,916 alleles (0.00019%); highest among the groups gnomAD compares: Admixed American, 0.005%; no homozygotes.

Submission:

Labcorp Genetics (formerly Invitae), Labcorp
Classification: Uncertain significance for Epileptic encephalopathy. Last evaluated: 2018-06-12. Review status: criteria provided, single submitter. Criteria: Invitae Variant Classification Sherloc (09022015). Collection method: clinical testing. Allele origin: germline.
Comment: In summary, the available evidence is currently insufficient to determine the role of this variant in disease. Therefore, it has been classified as a Variant of Uncertain Significance. Algorithms developed to predict the effect of missense changes on protein structure and function are either unavailable or do not agree on the potential impact of this missense change (SIFT: "Deleterious"; PolyPhen-2: "Possibly Damaging"; Align-GVGD: "Class C0"). This sequence change replaces threonine with isoleucine at codon 4229 of the RYR3 protein (p.Thr4229Ile). The threonine residue is highly conserved and there is a moderate physicochemical difference between threonine and isoleucine. This variant is not present in population databases (ExAC no frequency). This variant has not been reported in the literature in individuals with RYR3-related disease.

NM_001036.6(RYR3):c.12686C>T (p.Thr4229Ile)

Gene: RYR3 (ryanodine receptor 3; plus strand). Cytogenetic location: 15q14.
Variant type: single nucleotide variant.
Coding change: c.12686C>T on transcript NM_001036.6 (MANE Select); coding-DNA position 12686, C replaced by T.
Protein change: p.Thr4229Ile; replaces threonine 4229 with isoleucine.
Molecular consequence: missense variant.
Genome position (GRCh38, 1-based): chr15:33,838,666, C>T. VCF-style: chr15-33838666-C-T. GRCh37 (hg19) VCF-style: chr15-34130867-C-T.
Other names: c.12671C>T, p.Thr4224Ile (NM_001243996.4); short protein forms T4229I, T4224I.
Identifiers: ClinVar variation 571394 (VCV000571394.8), dbSNP rs751763127, ClinGen allele CA391595666.
Genomic context (GRCh38, chr15:33,838,666, plus strand): 5'-TCCTCTGGAGCACAGTGTTTGGAGGGGGCCTGGTAGAAGGGGCAAAGAACATCAGAGTGA[C>T]CAAGATCCTGGGTGACATGCCTGACCCAACCCAATTTGGTATCCATGATGACACTATGGA-3'
Protein context (NP_001027.3, residues 4219-4239): LVEGAKNIRV[Thr4229Ile]KILGDMPDPT